The following is an entry in ClinVar:

ClinVar aggregate classification (germline): Conflicting classifications of pathogenicity. Review status: criteria provided, conflicting classifications (1 of 4 stars). 4 submissions from 4 submitters: Uncertain significance (2); Benign (1). 1 of the submissions does not count toward it. Last evaluated 2025-12-03.

Conditions:
Cardiomyopathy (CMYO). Also called: Cardiomyopathies. Identifiers: Orphanet 167848, MedGen C0878544, MONDO:0004994, HP:0001638. Inheritance: Various modes of inheritance.
Duchenne muscular dystrophy (DMD). Also called: MUSCULAR DYSTROPHY, PSEUDOHYPERTROPHIC PROGRESSIVE, DUCHENNE TYPE; Duchenne Muscular Dystrophy (DMD). Identifiers: Orphanet 98896, MedGen C0013264, MONDO:0010679, OMIM 310200.
Becker muscular dystrophy (BMD). Also called: MUSCULAR DYSTROPHY, PSEUDOHYPERTROPHIC PROGRESSIVE, BECKER TYPE; Becker Muscular Dystrophy (BMD). Identifiers: Orphanet 98895, MedGen C0917713, MONDO:0010311, OMIM 300376.
Dystrophin deficiency.
Cardiovascular phenotype. Identifiers: MedGen CN230736.

Allele frequency attached by ClinVar (database versions not stated): gnomAD exomes 0.00001 and 0.00010; TOPMed 0.00002; ExAC 0.00001; gnomAD 0.00001.
gnomAD v4.1: 110 of 1,209,772 alleles (0.0091%); highest among the groups gnomAD compares: Non-Finnish European, 0.012%; no homozygotes.

Submissions (4):

Ambry Genetics
Classification: Uncertain significance for Cardiovascular phenotype. Last evaluated: 2025-12-03. Review status: criteria provided, single submitter. Criteria: Ambry Variant Classification Scheme 2023. Collection method: clinical testing. Allele origin: germline.
Comment: The p.E929K variant (also known as c.2785G>A), located in coding exon 21 of the DMD gene, results from a G to A substitution at nucleotide position 2785. The glutamic acid at codon 929 is replaced by lysine, an amino acid with similar properties. This amino acid position is highly conserved in available vertebrate species. In addition, this alteration is predicted to be tolerated by in silico analysis. Based on data from gnomAD, the A allele has an overall frequency of 0.001% (2/182411) total alleles studied, with no hemizygote(s) observed. The highest observed frequency was 0.002% (2/81293) of non-Finnish European alleles. Based on the available evidence, the clinical significance of this variant remains unclear.

Labcorp Genetics (formerly Invitae), Labcorp
Classification: Benign for Duchenne muscular dystrophy. Last evaluated: 2025-11-28. Review status: criteria provided, single submitter. Criteria: Invitae Variant Classification Sherloc (09022015). Collection method: clinical testing. Allele origin: germline.

ARUP Laboratories, Molecular Genetics and Genomics, ARUP Laboratories
Classification: Uncertain significance. Last evaluated: 2024-01-03. Review status: criteria provided, single submitter. Criteria: ARUP Molecular Germline Variant Investigation Process 2024. Collection method: clinical testing. Allele origin: germline.
Comment: The DMD c.2785G>A; p.Glu929Lys variant (rs772679497), to our knowledge, is not reported in the medical literature but is reported in ClinVar (Variation ID: 653353). This variant is observed on two alleles in the Genome Aggregation Database (v2.1.1), indicating it is not a common polymorphism. Computational analyses are uncertain whether this variant is neutral or deleterious (REVEL: 0.152). Due to limited information, the clinical significance of this variant is uncertain at this time.

Natera, Inc.
Classification: Uncertain significance for Becker muscular dystrophy; Cardiomyopathy; Duchenne muscular dystrophy; Dystrophin deficiency. Last evaluated: 2018-06-02. Review status: no assertion criteria provided. Collection method: clinical testing. Allele origin: germline. Not counted in ClinVar's aggregate classification.

NM_004006.3(DMD):c.2785G>A (p.Glu929Lys)

Gene: DMD (dystrophin; minus strand). Cytogenetic location: Xp21.1.
Variant type: single nucleotide variant.
Coding change: c.2785G>A on transcript NM_004006.3 (MANE Select); coding-DNA position 2785, G replaced by A.
Protein change: p.Glu929Lys; replaces glutamic acid 929 with lysine.
Molecular consequence: missense variant.
Genome position (GRCh38, 1-based): chrX:32,484,937, C>T on the plus strand (G>A on the coding strand, the complement: DMD is on the minus strand). VCF-style: chrX-32484937-C-T. GRCh37 (hg19) VCF-style: chrX-32503054-C-T.
Other names: c.2761G>A, p.Glu921Lys (NM_000109.4); c.2773G>A, p.Glu925Lys (NM_004009.3); c.2416G>A, p.Glu806Lys (NM_004010.3); short protein forms E921K, E925K, E806K, E929K.
Identifiers: ClinVar variation 653353 (VCV000653353.12), dbSNP rs772679497, ClinGen allele CA10379441.